The following is an entry in ClinVar:

ClinVar aggregate classification (germline): Uncertain significance (1 of 4 stars; one submission).

Conditions:
Hypertrophic cardiomyopathy. Also called: HYPERTROPHIC MYOCARDIOPATHY. Identifiers: Orphanet 217569, MedGen C0007194, MeSH D002312, MONDO:0005045, HP:0001639.

Submission:

Labcorp Genetics (formerly Invitae), Labcorp
Classification: Uncertain significance for Hypertrophic cardiomyopathy. Last evaluated: 2022-12-17. Review status: criteria provided, single submitter. Criteria: Invitae Variant Classification Sherloc (09022015). Collection method: clinical testing. Allele origin: germline.
Comment: This variant, c.2220_2221delinsTT, is a complex sequence change that results in the both the deletion and insertion of 2 amino acid(s) in the MYH7 protein (p.Lys740_Gly741delinsAsnTrp). Information on the frequency of this variant in the gnomAD database is not available, as this variant may be reported differently in the database. This variant has not been reported in the literature in individuals affected with MYH7-related conditions. Experimental studies and prediction algorithms are not available or were not evaluated, and the functional significance of this variant is currently unknown. This variant disrupts the p.Gly741 amino acid residue in MYH7. Other variant(s) that disrupt this residue have been determined to be pathogenic (PMID: 8533830, 22112859, 22429680, 25935763). This suggests that this residue is clinically significant, and that variants that disrupt this residue are likely to be disease-causing. In summary, the available evidence is currently insufficient to determine the role of this variant in disease. Therefore, it has been classified as a Variant of Uncertain Significance.

Literature cited by the submitters: PubMed 8533830; PubMed 22112859; PubMed 22429680; PubMed 25935763.

NM_000257.4(MYH7):c.2220_2221delinsTT (p.Lys740_Gly741delinsAsnTrp)

Gene: MYH7 (myosin heavy chain 7; minus strand). Cytogenetic location: 14q11.2.
Variant type: Indel.
Coding change: c.2220_2221delinsTT on transcript NM_000257.4 (MANE Select); coding-DNA positions 2220 to 2221, GG replaced by TT.
Protein change: p.Lys740_Gly741delinsAsnTrp.
Molecular consequence: missense variant.
Genome position (GRCh38, 1-based): chr14:23,425,760-23,425,761, CC replaced by AA on the plus strand (GG replaced by TT on the coding strand, the reverse complement: MYH7 is on the minus strand). VCF-style: chr14-23425760-CC-AA. GRCh37 (hg19) VCF-style: chr14-23894969-CC-AA.
Other names: c.2220_2221delGGinsTT, p.Lys740_Gly741delinsAsnTrp (NM_001407004.1).
Identifiers: ClinVar variation 2089202 (VCV002089202.4), dbSNP rs2502288253, ClinGen allele CA2580088004.